The following is an entry in ClinVar:

NM_001035.3(RYR2):c.2396A>C (p.Lys799Thr)

Gene: RYR2 (ryanodine receptor 2; plus strand). Cytogenetic location: 1q43.
Variant type: single nucleotide variant.
Coding change: c.2396A>C on transcript NM_001035.3 (MANE Select); coding-DNA position 2396, A replaced by C.
Protein change: p.Lys799Thr; replaces lysine 799 with threonine.
Molecular consequence: missense variant.
Genome position (GRCh38, 1-based): chr1:237,500,903, A>C. VCF-style: chr1-237500903-A-C. GRCh37 (hg19) VCF-style: chr1-237664203-A-C.
Other names: c.2396A>C (NM_001035.2); short protein forms K799T.
Identifiers: ClinVar variation 4756761 (VCV004756761.2).

ClinVar aggregate classification (germline): Uncertain significance. Review status: criteria provided, multiple submitters, no conflicts (2 of 4 stars). 2 submissions from 2 submitters: Uncertain significance (2). Last evaluated 2026-03-15.

Conditions:
Cardiomyopathy (CMYO). Also called: Cardiomyopathies. Identifiers: Orphanet 167848, MedGen C0878544, MONDO:0004994, HP:0001638. Inheritance: Various modes of inheritance.

Submissions (2):

GeneDx
Classification: Uncertain significance. Last evaluated: 2026-03-15. Review status: criteria provided, single submitter. Criteria: GeneDx Variant Classification Process June 2021. Collection method: clinical testing. Allele origin: germline.
Comment: Not observed at significant frequency in large population cohorts (gnomAD); In silico analysis supports that this missense variant has a deleterious effect on protein structure/function; Has not been previously published as pathogenic or benign to our knowledge; In silico analysis suggests this variant may impact gene splicing. In the absence of RNA/functional studies, the actual effect of this sequence change is unknown.; Not located in one of the three hot-spot regions of the RYR2 gene, where the majority of pathogenic missense variants occur (PMID: 19926015); This variant is associated with the following publications: (PMID: 19926015)

Color Diagnostics, LLC DBA Color Health
Classification: Uncertain significance for Cardiomyopathy. Last evaluated: 2025-05-30. Review status: criteria provided, single submitter. Criteria: ACMG Guidelines, 2015. Collection method: clinical testing. Allele origin: germline.
Comment: This missense variant replaces lysine with threonine at codon 799 of the RYR2 protein. Computational prediction suggests that this variant may not impact protein structure and function. To our knowledge, functional studies have not been reported for this variant. This variant has not been reported in individuals affected with RYR2-related disorders in the literature. This variant has not been identified in the general population by the Genome Aggregation Database (gnomAD). The available evidence is insufficient to determine the role of this variant in disease conclusively. Therefore, this variant is classified as a Variant of Uncertain Significance.